The following is an entry in ClinVar:

ClinVar aggregate classification (germline): Likely benign. Review status: criteria provided, single submitter (1 of 4 stars). 2 submissions from 2 submitters: Likely benign (1). 1 of the submissions does not count toward it. Last evaluated 2020-08-07.

Conditions:
Polycystic kidney disease. Also called: Kidney, Polycystic; Polycystic kidney dysplasia. Identifiers: MedGen C0022680, MeSH D007690, MONDO:0020642, HP:0000113.

Allele frequency attached by ClinVar (database versions not stated): ExAC below 0.00001; gnomAD exomes 0.00001; gnomAD 0.00002; TOPMed 0.00003.
gnomAD v4.1: 19 of 1,595,770 alleles (0.0012%); highest among the groups gnomAD compares: African/African-American, 0.0082%; no homozygotes.

Submissions (2):

Blueprint Genetics
Classification: Likely benign. Last evaluated: 2020-08-07. Review status: criteria provided, single submitter. Criteria: ACMG Guidelines, 2015. Collection method: clinical testing. Allele origin: germline.

Department of Pathology and Laboratory Medicine, Sinai Health System
Classification: Likely benign for Polycystic Kidney disease. Review status: no assertion criteria provided. Collection method: clinical testing. Allele origin: unknown. Affected: yes. Study: The Canadian Open Genetics Repository (COGR). Not counted in ClinVar's aggregate classification.
Comment: The PKD1 p.Thr2687= variant was not identified in the literature nor was it identified in the GeneInsight COGR, ClinVar, ADPKD Mutation Database, PKD1-LOVD, or PKD1-LOVD 3.0 databases. The variant was identified in dbSNP (ID: rs745338344) database. The variant was identified in control database in 1 of 29486 chromosomes at a frequency of 0.000033 (Genome Aggregation Database Feb 27, 2017). The variant was identified in the European population in 1 of 14436 chromosomes (freq. 0.000069), while the variant was not observed in the African, Other, Latino, Ashkenazi Jewish, East Asian, Finnish, and South Asian populations. The p.Thr2687= variant is not expected to have clinical significance because it does not result in a change of amino acid and is not located in a known consensus splice site. In addition, in silico or computational prediction software programs (SpliceSiteFinder, MaxEntScan, NNSPLICE, GeneSplicer) do not predict a difference in splicing. In summary, based on the above information the clinical significance of this variant cannot be determined with certainty at this time although we would lean towards a more benign role for this variant. This variant is classified as likely benign.

NM_001009944.3(PKD1):c.8061G>A (p.Thr2687=)

Gene: PKD1 (polycystin 1, transient receptor potential channel interacting; minus strand). Cytogenetic location: 16p13.3.
Variant type: single nucleotide variant.
Coding change: c.8061G>A on transcript NM_001009944.3 (MANE Select); coding-DNA position 8061, G replaced by A.
Protein change: p.Thr2687=; no amino-acid change (threonine 2687 retained).
Molecular consequence: synonymous variant.
Genome position (GRCh38, 1-based): chr16:2,104,598, C>T on the plus strand (G>A on the coding strand, the complement: PKD1 is on the minus strand). VCF-style: chr16-2104598-C-T. GRCh37 (hg19) VCF-style: chr16-2154599-C-T.
Other names: c.8061G>A, p.Thr2687= (NM_000296.4).
Identifiers: ClinVar variation 997188 (VCV000997188.2), dbSNP rs745338344, ClinGen allele CA7830732.